The following is an entry in ClinVar:

ClinVar aggregate classification (germline): Uncertain significance (1 of 4 stars; one submission).

Conditions:
Cardiac arrhythmia. Also called: Arrhythmia; Cardiac rhythm disease. Identifiers: MedGen C0003811, MONDO:0007263, HP:0011675.

Allele frequency attached by ClinVar (database versions not stated): gnomAD exomes below 0.00001.
gnomAD v4.1: 1 of 1,614,076 alleles (0.000062%); highest among the groups gnomAD compares: Non-Finnish European, 0.000085%; no homozygotes.

Submission:

Labcorp Genetics (formerly Invitae), Labcorp
Classification: Uncertain significance for Cardiac arrhythmia. Last evaluated: 2024-03-23. Review status: criteria provided, single submitter. Criteria: Invitae Variant Classification Sherloc (09022015). Collection method: clinical testing. Allele origin: germline.
Comment: This sequence change replaces glutamic acid, which is acidic and polar, with lysine, which is basic and polar, at codon 50 of the RANGRF protein (p.Glu50Lys). This variant is present in population databases (no rsID available, gnomAD 0.0009%). This variant has not been reported in the literature in individuals affected with RANGRF-related conditions. ClinVar contains an entry for this variant (Variation ID: 1024408). An algorithm developed to predict the effect of missense changes on protein structure and function (PolyPhen-2) suggests that this variant is likely to be disruptive. In summary, the available evidence is currently insufficient to determine the role of this variant in disease. Therefore, it has been classified as a Variant of Uncertain Significance.

NM_016492.5(RANGRF):c.148G>A (p.Glu50Lys)

Genes: RANGRF (RAN guanine nucleotide release factor; plus strand), SLC25A35 (solute carrier family 25 member 35; minus strand), LOC130060241 (ATAC-STARR-seq lymphoblastoid active region 11693; plus strand). Cytogenetic location: 17p13.1.
Variant type: single nucleotide variant.
Coding change: c.148G>A on transcript NM_016492.5 (MANE Select); coding-DNA position 148, G replaced by A.
Protein change: p.Glu50Lys; replaces glutamic acid 50 with lysine.
Molecular consequence: missense variant. On other transcripts: 3 prime UTR variant (2), non-coding transcript variant (2), intron variant (1).
Genome position (GRCh38, 1-based): chr17:8,289,026, G>A. VCF-style: chr17-8289026-G-A. GRCh37 (hg19) VCF-style: chr17-8192344-G-A.
Other names: c.148G>A, p.Glu50Lys (NM_001177801.2, NM_001177802.2, NM_001330127.2); c.*457C>T (NM_001320872.2); c.*590C>T (NM_201520.3); c.*42+548C>T (NM_001320871.2); short protein forms E50K.
Identifiers: ClinVar variation 1024408 (VCV001024408.10), dbSNP rs1380032341, ClinGen allele CA397994236.